The following is an entry in ClinVar:

ClinVar aggregate classification (germline): Uncertain significance. Review status: criteria provided, multiple submitters, no conflicts (2 of 4 stars). 9 submissions from 9 submitters: Uncertain significance (6). 3 of the submissions do not count toward it. Last evaluated 2026-01-28.

Conditions:
Myofibrillar myopathy 5. Also called: Filaminopathy (type); FILAMINOPATHY, AUTOSOMAL DOMINANT. Identifiers: Orphanet 171445, MedGen C1836050, MONDO:0012289, OMIM 609524.
Hypertrophic cardiomyopathy 26. Also called: Cardiomyopathy, familial hypertrophic, 26. Identifiers: Orphanet 75249, MedGen C4310749, MONDO:0014883, OMIM 617047.
Distal myopathy with posterior leg and anterior hand involvement. Also called: WILLIAMS DISTAL MYOPATHY. Identifiers: Orphanet 63273, MedGen C3279722, MONDO:0013550, OMIM 614065.
Cardiovascular phenotype. Identifiers: MedGen CN230736.
FLNC-related disorder. Also called: FLNC-related disorders; FLNC-related condition.

Allele frequency attached by ClinVar (database versions not stated): gnomAD exomes below 0.00001; ExAC 0.00001; gnomAD 0.00004 and 0.00005; ESP Exome Variant Server 0.00008; TOPMed 0.00008.
gnomAD v4.1: 85 of 1,612,894 alleles (0.0053%); highest among the groups gnomAD compares: Non-Finnish European, 0.007%; no homozygotes.

Submissions (9):

PreventionGenetics, part of Exact Sciences
Classification: Uncertain significance for FLNC-related condition. Last evaluated: 2026-01-28. Review status: criteria provided, single submitter. Criteria: ACMG Guidelines, 2015. Collection method: clinical testing. Allele origin: germline.
Comment: The FLNC c.1225G>A variant is predicted to result in the amino acid substitution p.Asp409Asn. To our knowledge, this variant has not been reported in the literature. This variant is reported in 0.0033% of alleles in individuals of South Asian descent in gnomAD. At this time, the clinical significance of this variant is uncertain due to the absence of conclusive functional and genetic evidence.

Labcorp Genetics (formerly Invitae), Labcorp
Classification: Uncertain significance for Distal myopathy with posterior leg and anterior hand involvement; Myofibrillar myopathy 5; Hypertrophic cardiomyopathy 26. Last evaluated: 2025-10-22. Review status: criteria provided, single submitter. Criteria: Invitae Variant Classification Sherloc (09022015). Collection method: clinical testing. Allele origin: germline.
Comment: This sequence change replaces aspartic acid, which is acidic and polar, with asparagine, which is neutral and polar, at codon 409 of the FLNC protein (p.Asp409Asn). This variant is present in population databases (rs371913931, gnomAD 0.003%). This variant has not been reported in the literature in individuals affected with FLNC-related conditions. ClinVar contains an entry for this variant (Variation ID: 659222). Invitae Evidence Modeling of protein sequence and biophysical properties (such as structural, functional, and spatial information, amino acid conservation, physicochemical variation, residue mobility, and thermodynamic stability) has been performed for this missense variant. However, the output from this modeling did not meet the statistical confidence thresholds required to predict the impact of this variant on FLNC protein function. In summary, the available evidence is currently insufficient to determine the role of this variant in disease. Therefore, it has been classified as a Variant of Uncertain Significance.

Ambry Genetics
Classification: Uncertain significance for Cardiovascular phenotype. Last evaluated: 2025-06-09. Review status: criteria provided, single submitter. Criteria: Ambry Variant Classification Scheme 2023. Collection method: clinical testing. Allele origin: germline.
Comment: The p.D409N variant (also known as c.1225G>A), located in coding exon 8 of the FLNC gene, results from a G to A substitution at nucleotide position 1225. The aspartic acid at codon 409 is replaced by asparagine, an amino acid with highly similar properties. This amino acid position is conserved. In addition, this alteration is predicted to be tolerated by in silico analysis. Since supporting evidence is limited at this time, the clinical significance of this alteration remains unclear.

Revvity Omics, Revvity
Classification: Uncertain significance. Last evaluated: 2022-03-08. Review status: criteria provided, single submitter. Criteria: ACMG Guidelines, 2015. Collection method: clinical testing. Allele origin: germline.

Fulgent Genetics
Classification: Uncertain significance for Myofibrillar myopathy 5; Distal myopathy with posterior leg and anterior hand involvement; Hypertrophic cardiomyopathy 26. Last evaluated: 2021-10-12. Review status: criteria provided, single submitter. Criteria: ACMG Guidelines, 2015. Collection method: clinical testing. Allele origin: unknown.

GeneDx
Classification: Uncertain significance. Last evaluated: 2019-09-13. Review status: criteria provided, single submitter. Criteria: GeneDx Variant Classification Process June 2021. Collection method: clinical testing. Allele origin: germline. Affected: yes.
Comment: Has not been previously published as pathogenic or benign to our knowledge; Reported in ClinVar as a variant of uncertain significance but additional evidence is not available (ClinVar Variant ID# 659222; Landrum et al., 2016); Not observed at a significant frequency in large population cohorts (Lek et al., 2016); In silico analysis, which includes protein predictors and evolutionary conservation, supports a deleterious effect

Clinical Genetics DNA and cytogenetics Diagnostics Lab, Erasmus MC, Erasmus Medical Center
Classification: Uncertain significance. Review status: no assertion criteria provided. Collection method: clinical testing. Allele origin: germline. Affected: yes. Study: VKGL Data-share Consensus. Not counted in ClinVar's aggregate classification.

Clinical Genetics, Academic Medical Center
Classification: Uncertain significance. Review status: no assertion criteria provided. Collection method: clinical testing. Allele origin: germline. Affected: yes. Study: VKGL Data-share Consensus. Not counted in ClinVar's aggregate classification.

Diagnostic Laboratory, Department of Genetics, University Medical Center Groningen
Classification: Uncertain significance. Review status: no assertion criteria provided. Collection method: clinical testing. Allele origin: germline. Affected: yes. Study: VKGL Data-share Consensus. Not counted in ClinVar's aggregate classification.

NM_001458.5(FLNC):c.1225G>A (p.Asp409Asn)

Gene: FLNC (filamin C; plus strand). Cytogenetic location: 7q32.1.
Variant type: single nucleotide variant.
Coding change: c.1225G>A on transcript NM_001458.5 (MANE Select); coding-DNA position 1225, G replaced by A.
Protein change: p.Asp409Asn; replaces aspartic acid 409 with asparagine.
Molecular consequence: missense variant.
Genome position (GRCh38, 1-based): chr7:128,838,617, G>A. VCF-style: chr7-128838617-G-A. GRCh37 (hg19) VCF-style: chr7-128478671-G-A.
Other names: c.1225G>A, p.Asp409Asn (NM_001127487.2); short protein forms D409N.
Identifiers: ClinVar variation 659222 (VCV000659222.17), dbSNP rs371913931, ClinGen allele CA4474283.